The following is an entry in ClinVar:

ClinVar aggregate classification (germline): Benign. Review status: criteria provided, multiple submitters, no conflicts (2 of 4 stars). 5 submissions from 5 submitters: Benign (4). 1 of the submissions does not count toward it. Last evaluated 2026-02-01.

Conditions:
Treacher Collins syndrome 1 (TCS1). Also called: TCOF1-Related Treacher Collins Syndrome. Identifiers: Orphanet 861, MedGen CN315775, MONDO:0007944, OMIM 154500.

Allele frequency attached by ClinVar (database versions not stated): ExAC 0.00301; gnomAD 0.00936 and 0.01015; gnomAD exomes 0.00105 and 0.00249; 1000 Genomes Project 0.00958; 1000 Genomes Project 30x 0.01062; ESP Exome Variant Server 0.01069; TOPMed 0.01111.
gnomAD v4.1: 3,069 of 1,614,118 alleles (0.19%); highest among the groups gnomAD compares: African/African-American, 3.1%; 48 homozygotes.

Submissions (5):

Labcorp Genetics (formerly Invitae), Labcorp
Classification: Benign for Treacher Collins syndrome 1. Last evaluated: 2026-02-01. Review status: criteria provided, single submitter. Criteria: Invitae Variant Classification Sherloc (09022015). Collection method: clinical testing. Allele origin: germline.

Mayo Clinic Laboratories, Mayo Clinic
Classification: Benign. Last evaluated: 2024-10-23. Review status: criteria provided, single submitter. Criteria: ACMG Guidelines, 2015. Collection method: clinical testing. Allele origin: germline. Observed: 1 variant allele.
Comment: BA1, BS2, BP4, BP7

GeneDx
Classification: Benign. Last evaluated: 2020-02-20. Review status: criteria provided, single submitter. Criteria: GeneDx Variant Classification Process June 2021. Collection method: clinical testing. Allele origin: germline. Affected: yes.
Comment: This variant is associated with the following publications: (PMID: 12210332)

PreventionGenetics, part of Exact Sciences
Classification: Benign. Review status: criteria provided, single submitter. Criteria: ACMG Guidelines, 2015. Collection method: clinical testing. Allele origin: germline.

Genetic Services Laboratory, University of Chicago
Classification: Likely benign for AllHighlyPenetrant. Review status: no assertion criteria provided. Collection method: clinical testing. Allele origin: germline. Inheritance: Autosomal dominant inheritance. Not counted in ClinVar's aggregate classification.
Comment: Likely benign based on allele frequency in 1000 Genomes Project or ESP global frequency and its presence in a patient with a rare or unrelated disease phenotype. NOT Sanger confirmed.

NM_001371623.1(TCOF1):c.162A>G (p.Gln54=)

Gene: TCOF1 (treacle ribosome biogenesis factor 1; plus strand). Cytogenetic location: 5q32.
Variant type: single nucleotide variant.
Coding change: c.162A>G on transcript NM_001371623.1 (MANE Select); coding-DNA position 162, A replaced by G.
Protein change: p.Gln54=; no amino-acid change (glutamine 54 retained).
Molecular consequence: synonymous variant.
Genome position (GRCh38, 1-based): chr5:150,361,209, A>G. VCF-style: chr5-150361209-A-G. GRCh37 (hg19) VCF-style: chr5-149740772-A-G.
Other names: p.Gln54=; c.162A>G, p.Gln54= (NM_000356.4, NM_001008657.3, NM_001135243.2 and 3 more transcripts).
Identifiers: ClinVar variation 130563 (VCV000130563.19), dbSNP rs73270831, ClinGen allele CA155658.